The following is an entry in ClinVar:

ClinVar aggregate classification (germline): Uncertain significance (1 of 4 stars; one submission).

Conditions:
Cardiomyopathy (CMYO). Also called: Cardiomyopathies. Identifiers: Orphanet 167848, MedGen C0878544, MONDO:0004994, HP:0001638. Inheritance: Various modes of inheritance.

Submission:

Color Diagnostics, LLC DBA Color Health
Classification: Uncertain significance for Cardiomyopathy. Last evaluated: 2025-08-04. Review status: criteria provided, single submitter. Criteria: ACMG Guidelines, 2015. Collection method: clinical testing. Allele origin: germline.
Comment: This missense variant replaces glutamic acid with glutamine at codon 2472 of the DSP protein. Computational prediction suggests that this variant may not impact protein structure and function. To our knowledge, functional studies have not been reported for this variant. This variant has not been reported in individuals affected with DSP-related disorders in the literature. This variant has not been identified in the general population by the Genome Aggregation Database (gnomAD). The available evidence is insufficient to determine the role of this variant in disease conclusively. Therefore, this variant is classified as a Variant of Uncertain Significance.

NM_004415.4(DSP):c.7414G>C (p.Glu2472Gln)

Gene: DSP (desmoplakin; plus strand). Cytogenetic location: 6p24.3.
Variant type: single nucleotide variant.
Coding change: c.7414G>C on transcript NM_004415.4 (MANE Select); coding-DNA position 7414, G replaced by C.
Protein change: p.Glu2472Gln; replaces glutamic acid 2472 with glutamine.
Molecular consequence: missense variant.
Genome position (GRCh38, 1-based): chr6:7,584,676, G>C. VCF-style: chr6-7584676-G-C. GRCh37 (hg19) VCF-style: chr6-7584909-G-C.
Other names: c.5617G>C, p.Glu1873Gln (NM_001008844.3); c.6085G>C, p.Glu2029Gln (NM_001319034.2); short protein forms E1873Q, E2029Q, E2472Q.
Identifiers: ClinVar variation 4758123 (VCV004758123.1).